The following is an entry in ClinVar:

ClinVar aggregate classification (germline): Uncertain significance (1 of 4 stars; one submission).

Submission:

Labcorp Genetics (formerly Invitae), Labcorp
Classification: Uncertain significance. Last evaluated: 2024-09-22. Review status: criteria provided, single submitter. Criteria: Invitae Variant Classification Sherloc (09022015). Collection method: clinical testing. Allele origin: germline.
Comment: This sequence change replaces proline, which is neutral and non-polar, with glutamine, which is neutral and polar, at codon 1413 of the COL7A1 protein (p.Pro1413Gln). This variant is not present in population databases (gnomAD no frequency). This variant has not been reported in the literature in individuals affected with COL7A1-related conditions. Invitae Evidence Modeling of protein sequence and biophysical properties (such as structural, functional, and spatial information, amino acid conservation, physicochemical variation, residue mobility, and thermodynamic stability) indicates that this missense variant is not expected to disrupt COL7A1 protein function with a negative predictive value of 95%. In summary, the available evidence is currently insufficient to determine the role of this variant in disease. Therefore, it has been classified as a Variant of Uncertain Significance.

NM_000094.4(COL7A1):c.4238C>A (p.Pro1413Gln)

Gene: COL7A1 (collagen type VII alpha 1 chain; minus strand). Cytogenetic location: 3p21.31.
Variant type: single nucleotide variant.
Coding change: c.4238C>A on transcript NM_000094.4 (MANE Select); coding-DNA position 4238, C replaced by A.
Protein change: p.Pro1413Gln; replaces proline 1413 with glutamine.
Molecular consequence: missense variant.
Genome position (GRCh38, 1-based): chr3:48,583,940, G>T on the plus strand (C>A on the coding strand, the complement: COL7A1 is on the minus strand). VCF-style: chr3-48583940-G-T. GRCh37 (hg19) VCF-style: chr3-48621373-G-T.
Other names: short protein forms P1413Q.
Identifiers: ClinVar variation 3635679 (VCV003635679.2).